The following is an entry in ClinVar:

NM_012463.4(ATP6V0A2):c.516A>G (p.Lys172=)

Gene: ATP6V0A2 (ATPase H+ transporting V0 subunit a2; plus strand). Cytogenetic location: 12q24.31.
Variant type: single nucleotide variant.
Coding change: c.516A>G on transcript NM_012463.4 (MANE Select); coding-DNA position 516, A replaced by G.
Protein change: p.Lys172=; no amino-acid change (lysine 172 retained).
Molecular consequence: synonymous variant.
Genome position (GRCh38, 1-based): chr12:123,726,280, A>G. VCF-style: chr12-123726280-A-G. GRCh37 (hg19) VCF-style: chr12-124210827-A-G.
Identifiers: ClinVar variation 2684366 (VCV002684366.4), dbSNP rs2541847990, ClinGen allele CA482270350.

ClinVar aggregate classification (germline): Conflicting classifications of pathogenicity. Review status: criteria provided, conflicting classifications (1 of 4 stars). 2 submissions from 2 submitters: Uncertain significance (1); Likely benign (1). Last evaluated 2023-05-23.

Conditions:
ALG9 congenital disorder of glycosylation (CDG1L). Also called: CONGENITAL DISORDER OF GLYCOSYLATION, TYPE Il; ALG9-CDG; CDG Il. Identifiers: Orphanet 79328, MedGen C2931006, MONDO:0012117, OMIM 608776.

Submissions (2):

Athena Diagnostics
Classification: Uncertain significance. Last evaluated: 2023-05-23. Review status: criteria provided, single submitter. Criteria: Athena Diagnostics Criteria. Collection method: clinical testing. Allele origin: unknown.
Comment: Available data are insufficient to determine the clinical significance of the variant at this time. This variant has not been reported in large, multi-ethnic general populations. Computational tools yielded inconclusive predictions regarding the effect of this variant on RNA splicing.

Labcorp Genetics (formerly Invitae), Labcorp
Classification: Likely benign for ALG9 congenital disorder of glycosylation. Last evaluated: 2023-04-13. Review status: criteria provided, single submitter. Criteria: Invitae Variant Classification Sherloc (09022015). Collection method: clinical testing. Allele origin: germline.